The following is an entry in ClinVar:

NM_139076.3(ABRAXAS1):c.1004C>T (p.Ala335Val)

Gene: ABRAXAS1 (abraxas 1, BRCA1 A complex subunit; minus strand). Cytogenetic location: 4q21.23.
Variant type: single nucleotide variant.
Coding change: c.1004C>T on transcript NM_139076.3 (MANE Select); coding-DNA position 1004, C replaced by T.
Protein change: p.Ala335Val; replaces alanine 335 with valine.
Molecular consequence: missense variant.
Genome position (GRCh38, 1-based): chr4:83,462,695, G>A on the plus strand (C>T on the coding strand, the complement: ABRAXAS1 is on the minus strand). VCF-style: chr4-83462695-G-A. GRCh37 (hg19) VCF-style: chr4-84383848-G-A.
Other names: c.677C>T, p.Ala226Val (NM_001345962.2); short protein forms A226V, A335V.
Identifiers: ClinVar variation 3229125 (VCV003229125.1), dbSNP rs2529418534, ClinGen allele CA357255535.

ClinVar aggregate classification (germline): Uncertain significance (1 of 4 stars; one submission).

Submission:

Ambry Genetics
Classification: Uncertain significance. Last evaluated: 2024-02-03. Review status: criteria provided, single submitter. Criteria: Ambry Variant Classification Scheme 2023. Collection method: clinical testing. Allele origin: germline.
Comment: The p.A335V variant (also known as c.1004C>T), located in coding exon 9 of the FAM175A gene, results from a C to T substitution at nucleotide position 1004. The alanine at codon 335 is replaced by valine, an amino acid with similar properties. This amino acid position is conserved. In addition, this alteration is predicted to be tolerated by in silico analysis. Based on the available evidence, the clinical significance of this alteration remains unclear.